The following is an entry in ClinVar:

NM_201596.3(CACNB2):c.944+3_944+6del

Gene: CACNB2 (calcium voltage-gated channel auxiliary subunit beta 2; plus strand). Cytogenetic location: 10p12.31.
Variant type: Deletion.
Coding change: c.944+3_944+6del on transcript NM_201596.3 (MANE Select); bases 3 to 6 of the intron after coding-DNA position 944, 4 bases deleted (GAGT; older notation c.944+3_944+6delGAGT).
Molecular consequence: splice donor variant.
Genome position (GRCh38, 1-based): chr10:18,518,971-18,518,974, GAGT deleted; deleting any 4 consecutive bases within chr10:18,518,969-18,518,974 gives the same sequence; the c. name uses the placement nearest the transcript's 3' end. VCF-style (leftmost placement, unchanged base first): chr10-18518968-GGTGA-G. GRCh37 (hg19) VCF-style: chr10-18807897-GGTGA-G.
Other names: c.782+3_782+6delGAGT (NM_201590.2); c.860+3_860+6del (NM_201571.4); c.746+3_746+6del (NM_001167945.2); c.788+3_788+6del (NM_201572.4); c.830+3_830+6del (NM_201593.3); c.872+3_872+6del (NM_201597.3); c.779+3_779+6del (NM_000724.4); c.665+3_665+6del (NM_001330060.2); and 3 more.
Identifiers: ClinVar variation 2777353 (VCV002777353.4), dbSNP rs2494571580, ClinGen allele CA2739265317.
Genomic context (GRCh38, chr10:18,518,968, plus strand): 5'-AGGTCACAGATATGATGCAAAAAGCGCTGTTTGATTTTTTAAAACACAGATTTGAAGGGC[GGTGA>G]GTATTTCAGCATACTGGGTTTTGTGGATTTTGTCTTAAAGATGGCAAAACGCTGGTGGGA-3'

ClinVar aggregate classification (germline): Uncertain significance. Review status: criteria provided, multiple submitters, no conflicts (2 of 4 stars). 2 submissions from 2 submitters: Uncertain significance (2). Last evaluated 2025-08-13.

Conditions:
Brugada syndrome 4 (BRGDA4). Identifiers: Orphanet 130, MedGen C2678477, MONDO:0012743, OMIM 611876.
Cardiovascular phenotype. Identifiers: MedGen CN230736.

Submissions (2):

Ambry Genetics
Classification: Uncertain significance for Cardiovascular phenotype. Last evaluated: 2025-08-13. Review status: criteria provided, single submitter. Criteria: Ambry Variant Classification Scheme 2023. Collection method: clinical testing. Allele origin: germline.
Comment: The c.782+3_782+6delGAGT intronic variant results from a deletion of 4 nucleotides between positions c.782+3 and c.782+6 after coding exon 8 of the CACNB2 gene. These nucleotide positions are well conserved in available vertebrate species. In silico splice site analysis predicts that this alteration will weaken the native splice donor site. The evidence for this gene-disease relationship is limited; therefore, the clinical significance of this alteration is unclear.

Labcorp Genetics (formerly Invitae), Labcorp
Classification: Uncertain significance for Brugada syndrome 4. Last evaluated: 2023-03-02. Review status: criteria provided, single submitter. Criteria: Invitae Variant Classification Sherloc (09022015). Collection method: clinical testing. Allele origin: germline.
Comment: In summary, the available evidence is currently insufficient to determine the role of this variant in disease. Therefore, it has been classified as a Variant of Uncertain Significance. Variants that disrupt the consensus splice site are a relatively common cause of aberrant splicing (PMID: 17576681, 9536098). Algorithms developed to predict the effect of sequence changes on RNA splicing suggest that this variant may disrupt the consensus splice site. This variant has not been reported in the literature in individuals affected with CACNB2-related conditions. This variant is not present in population databases (gnomAD no frequency). This sequence change falls in intron 8 of the CACNB2 gene. It does not directly change the encoded amino acid sequence of the CACNB2 protein. It affects a nucleotide within the consensus splice site.

Literature cited by the submitters: PubMed 17576681 (cited by Labcorp Genetics (formerly Invitae), Labcorp); PubMed 9536098 (cited by Labcorp Genetics (formerly Invitae), Labcorp).